The following is an entry in ClinVar:

ClinVar aggregate classification (germline): Uncertain significance. Review status: criteria provided, multiple submitters, no conflicts (2 of 4 stars). 2 submissions from 2 submitters: Uncertain significance (2). Last evaluated 2023-09-25.

Conditions:
Inborn genetic diseases. Identifiers: MedGen C0950123, MeSH D030342.

Allele frequency attached by ClinVar (database versions not stated): TOPMed 0.00001.

Submissions (2):

Ambry Genetics
Classification: Uncertain significance for Inborn genetic diseases. Last evaluated: 2023-09-25. Review status: criteria provided, single submitter. Criteria: Ambry Variant Classification Scheme 2023. Collection method: clinical testing. Allele origin: germline.

Labcorp Genetics (formerly Invitae), Labcorp
Classification: Uncertain significance. Last evaluated: 2022-07-30. Review status: criteria provided, single submitter. Criteria: Invitae Variant Classification Sherloc (09022015). Collection method: clinical testing. Allele origin: germline.
Comment: This sequence change replaces methionine, which is neutral and non-polar, with valine, which is neutral and non-polar, at codon 202 of the TAPT1 protein (p.Met202Val). This variant is not present in population databases (gnomAD no frequency). This variant has not been reported in the literature in individuals affected with TAPT1-related conditions. Algorithms developed to predict the effect of missense changes on protein structure and function are either unavailable or do not agree on the potential impact of this missense change (SIFT: "Tolerated"; PolyPhen-2: "Probably Damaging"; Align-GVGD: "Class C0"). In summary, the available evidence is currently insufficient to determine the role of this variant in disease. Therefore, it has been classified as a Variant of Uncertain Significance.

NM_153365.3(TAPT1):c.604A>G (p.Met202Val)

Gene: TAPT1 (transmembrane anterior posterior transformation 1; minus strand). Cytogenetic location: 4p15.32.
Variant type: single nucleotide variant.
Coding change: c.604A>G on transcript NM_153365.3 (MANE Select); coding-DNA position 604, A replaced by G.
Protein change: p.Met202Val; replaces methionine 202 with valine.
Molecular consequence: missense variant.
Genome position (GRCh38, 1-based): chr4:16,191,369, T>C on the plus strand (A>G on the coding strand, the complement: TAPT1 is on the minus strand). VCF-style: chr4-16191369-T-C. GRCh37 (hg19) VCF-style: chr4-16192992-T-C.
Other names: c.604A>G (NM_153365.2); short protein forms M202V.
Identifiers: ClinVar variation 1976321 (VCV001976321.6), dbSNP rs1441690125, ClinGen allele CA356495916.